The following is an entry in ClinVar:

ClinVar aggregate classification (germline): Uncertain significance (1 of 4 stars; one submission).

Conditions:
Hereditary cancer-predisposing syndrome. Also called: Neoplastic Syndromes, Hereditary; Tumor predisposition; Hereditary Cancer Syndrome; Hereditary neoplastic syndrome. Identifiers: Orphanet 140162, MedGen C0027672, MeSH D009386, MONDO:0015356.

gnomAD v4.1: 1 of 1,614,038 alleles (0.000062%); highest among the groups gnomAD compares: East Asian, 0.0022%; no homozygotes.

Submission:

Ambry Genetics
Classification: Uncertain significance for Hereditary cancer-predisposing syndrome. Last evaluated: 2025-12-02. Review status: criteria provided, single submitter. Criteria: Ambry Variant Classification Scheme 2023. Collection method: clinical testing. Allele origin: germline.
Comment: The p.A145G variant (also known as c.434C>G), located in coding exon 4 of the NF2 gene, results from a C to G substitution at nucleotide position 434. The alanine at codon 145 is replaced by glycine, an amino acid with similar properties. This amino acid position is conserved. In addition, this alteration is predicted to be deleterious by in silico analysis. Based on the available evidence, the clinical significance of this variant remains unclear.

NM_000268.4(NF2):c.434C>G (p.Ala145Gly)

Gene: NF2 (NF2, moesin-ezrin-radixin like (MERLIN) tumor suppressor; plus strand). Cytogenetic location: 22q12.2.
Variant type: single nucleotide variant.
Coding change: c.434C>G on transcript NM_000268.4 (MANE Select); coding-DNA position 434, C replaced by G.
Protein change: p.Ala145Gly; replaces alanine 145 with glycine.
Molecular consequence: missense variant. On other transcripts: 5 prime UTR variant (1), non-coding transcript variant (1).
Genome position (GRCh38, 1-based): chr22:29,642,272, C>G. VCF-style: chr22-29642272-C-G. GRCh37 (hg19) VCF-style: chr22-30038261-C-G.
Other names: c.320C>G, p.Ala107Gly (NM_001407053.1, NM_001407056.1); c.311C>G, p.Ala104Gly (NM_001407054.1, NM_001407058.1, NM_001407062.1 and 1 more transcripts); c.308C>G, p.Ala103Gly (NM_001407055.1, NM_181828.3); c.434C>G, p.Ala145Gly (NM_001407057.1, NM_001407059.1, NM_001407060.1 and 5 more transcripts); c.185C>G, p.Ala62Gly (NM_001407063.1, NM_001407064.1, NM_181830.3 and 1 more transcripts); c.-207C>G (NM_001407065.1); c.203C>G, p.Ala68Gly (NM_001407067.1); short protein forms A104G, A145G, A68G, A103G, A107G, A62G.
Identifiers: ClinVar variation 4661567 (VCV004661567.1).